The following is an entry in ClinVar:

ClinVar aggregate classification (germline): Likely benign. Review status: criteria provided, multiple submitters, no conflicts (2 of 4 stars). 3 submissions from 3 submitters: Likely benign (2). 1 of the submissions does not count toward it. Last evaluated 2026-02-01.

Conditions:
MYH9-related disorder. Identifiers: MedGen C1854520.

Allele frequency attached by ClinVar (database versions not stated): gnomAD 0.00004; TOPMed 0.00005; ExAC 0.00006.
gnomAD v4.1: 79 of 1,609,584 alleles (0.0049%); highest among the groups gnomAD compares: Admixed American, 0.028%; no homozygotes.

Submissions (3):

Labcorp Genetics (formerly Invitae), Labcorp
Classification: Likely benign. Last evaluated: 2026-02-01. Review status: criteria provided, single submitter. Criteria: Invitae Variant Classification Sherloc (09022015). Collection method: clinical testing. Allele origin: germline.

Women's Health and Genetics/Laboratory Corporation of America, LabCorp
Classification: Likely benign. Last evaluated: 2024-12-11. Review status: criteria provided, single submitter. Criteria: LabCorp Variant Classification Summary - May 2015. Collection method: clinical testing. Allele origin: germline.

PreventionGenetics, part of Exact Sciences
Classification: Likely benign for MYH9-related condition. Last evaluated: 2021-06-15. Review status: no assertion criteria provided. Collection method: clinical testing. Allele origin: germline. Not counted in ClinVar's aggregate classification.
Comment: This variant is classified as likely benign based on ACMG/AMP sequence variant interpretation guidelines (Richards et al. 2015 PMID: 25741868, with internal and published modifications).

NM_002473.6(MYH9):c.2976+9C>T

Genes: MYH9 (myosin heavy chain 9; minus strand), LOC126863137 (CDK7 strongly-dependent group 2 enhancer GRCh37_chr22:36696002-36697201; plus strand). Cytogenetic location: 22q12.3.
Variant type: single nucleotide variant.
Coding change: c.2976+9C>T on transcript NM_002473.6 (MANE Select); 9 bases into the intron after coding-DNA position 2976, C replaced by T.
Molecular consequence: intron variant.
Genome position (GRCh38, 1-based): chr22:36,300,118, G>A on the plus strand (C>T on the coding strand, the complement: MYH9 is on the minus strand). VCF-style: chr22-36300118-G-A. GRCh37 (hg19) VCF-style: chr22-36696164-G-A.
Identifiers: ClinVar variation 1705104 (VCV001705104.9), dbSNP rs749007954, ClinGen allele CA10209806.
Genomic context (GRCh38, chr22:36,300,118, plus strand): 5'-CAAGGGTGACCACACTCTCCCATCCACGGCGCCCCTGGAGCAGCGGCAGGCGACAGCCAC[G>A]GGCCTCACCTTGGCCAGCTTGCAGTTCTGGTCCTCCAGGATGATCTGCTCCTCCTCCAGC-3'